The following is an entry in ClinVar:

NM_014009.4(FOXP3):c.95C>T (p.Ala32Val)

Gene: FOXP3 (forkhead box P3; minus strand). Cytogenetic location: Xp11.23.
Variant type: single nucleotide variant.
Coding change: c.95C>T on transcript NM_014009.4 (MANE Select); coding-DNA position 95, C replaced by T.
Protein change: p.Ala32Val; replaces alanine 32 with valine.
Molecular consequence: missense variant.
Genome position (GRCh38, 1-based): chrX:49,258,411, G>A on the plus strand (C>T on the coding strand, the complement: FOXP3 is on the minus strand). VCF-style: chrX-49258411-G-A. GRCh37 (hg19) VCF-style: chrX-49114868-G-A.
Other names: c.95C>T, p.Ala32Val (NM_001114377.2); short protein forms A32V.
Identifiers: ClinVar variation 1973308 (VCV001973308.5), dbSNP rs2519196902, ClinGen allele CA412954198.

ClinVar aggregate classification (germline): Uncertain significance (1 of 4 stars; one submission).

Conditions:
Insulin-dependent diabetes mellitus secretory diarrhea syndrome (IPEX). Also called: IPEX and IPEX-Like; Immune dysregulation-polyendocrinopathy-enteropathy-X-linked syndrome; IMMUNODEFICIENCY, POLYENDOCRINOPATHY, AND ENTEROPATHY, X-LINKED; DIABETES MELLITUS, CONGENITAL INSULIN-DEPENDENT, WITH FATAL SECRETORY DIARRHEA; DIARRHEA, POLYENDOCRINOPATHY, FATAL INFECTION SYNDROME, X-LINKED; ENTEROPATHY, AUTOIMMUNE, WITH HEMOLYTIC ANEMIA AND POLYENDOCRINOPATHY. Identifiers: Orphanet 37042, MedGen C0342288, MONDO:0010580, OMIM 304790. Disease mechanism: loss of function.

gnomAD v4.1: 2 of 1,179,662 alleles (0.00017%); no homozygotes.

Submission:

Labcorp Genetics (formerly Invitae), Labcorp
Classification: Uncertain significance for Insulin-dependent diabetes mellitus secretory diarrhea syndrome. Last evaluated: 2024-04-29. Review status: criteria provided, single submitter. Criteria: Invitae Variant Classification Sherloc (09022015). Collection method: clinical testing. Allele origin: germline.
Comment: This sequence change replaces alanine, which is neutral and non-polar, with valine, which is neutral and non-polar, at codon 32 of the FOXP3 protein (p.Ala32Val). This variant is not present in population databases (gnomAD no frequency). This variant has not been reported in the literature in individuals affected with FOXP3-related conditions. ClinVar contains an entry for this variant (Variation ID: 1973308). Advanced modeling of protein sequence and biophysical properties (such as structural, functional, and spatial information, amino acid conservation, physicochemical variation, residue mobility, and thermodynamic stability) performed at Invitae indicates that this missense variant is not expected to disrupt FOXP3 protein function with a negative predictive value of 95%. In summary, the available evidence is currently insufficient to determine the role of this variant in disease. Therefore, it has been classified as a Variant of Uncertain Significance.